The following is an entry in ClinVar:

ClinVar aggregate classification (germline): Uncertain significance. Review status: criteria provided, multiple submitters, no conflicts (2 of 4 stars). 2 submissions from 2 submitters: Uncertain significance (2). Last evaluated 2021-03-17.

Conditions:
Hereditary cancer-predisposing syndrome. Also called: Neoplastic Syndromes, Hereditary; Tumor predisposition; Hereditary neoplastic syndrome; Hereditary Cancer Syndrome. Identifiers: Orphanet 140162, MedGen C0027672, MeSH D009386, MONDO:0015356.
Hereditary nonpolyposis colorectal neoplasms. Identifiers: MedGen C0009405, MeSH D003123.

Submissions (2):

Ambry Genetics
Classification: Uncertain significance for Hereditary cancer-predisposing syndrome. Last evaluated: 2021-03-17. Review status: criteria provided, single submitter. Criteria: Ambry Variant Classification Scheme 2023. Collection method: clinical testing. Allele origin: germline.
Comment: The p.P591Q variant (also known as c.1772C>A), located in coding exon 4 of the MSH6 gene, results from a C to A substitution at nucleotide position 1772. The proline at codon 591 is replaced by glutamine, an amino acid with similar properties. This amino acid position is highly conserved in available vertebrate species. In addition, this alteration is predicted to be deleterious by in silico analysis. Since supporting evidence is limited at this time, the clinical significance of this alteration remains unclear.

Labcorp Genetics (formerly Invitae), Labcorp
Classification: Uncertain significance for Hereditary nonpolyposis colorectal neoplasms. Last evaluated: 2018-04-28. Review status: criteria provided, single submitter. Criteria: Invitae Variant Classification Sherloc (09022015). Collection method: clinical testing. Allele origin: germline.
Comment: This sequence change replaces proline with glutamine at codon 591 of the MSH6 protein (p.Pro591Gln). The proline residue is highly conserved and there is a moderate physicochemical difference between proline and glutamine. This variant is not present in population databases (ExAC no frequency). This variant has not been reported in the literature in individuals with MSH6-related disease. Algorithms developed to predict the effect of missense changes on protein structure and function (SIFT, PolyPhen-2, Align-GVGD) all suggest that this variant is likely to be disruptive, but these predictions have not been confirmed by published functional studies and their clinical significance is uncertain. In summary, the available evidence is currently insufficient to determine the role of this variant in disease. Therefore, it has been classified as a Variant of Uncertain Significance.

NM_000179.3(MSH6):c.1772C>A (p.Pro591Gln)

Gene: MSH6 (mutS homolog 6; plus strand). Cytogenetic location: 2p16.3.
Variant type: single nucleotide variant.
Coding change: c.1772C>A on transcript NM_000179.3 (MANE Select); coding-DNA position 1772, C replaced by A.
Protein change: p.Pro591Gln; replaces proline 591 with glutamine.
Molecular consequence: missense variant.
Genome position (GRCh38, 1-based): chr2:47,799,755, C>A. VCF-style: chr2-47799755-C-A. GRCh37 (hg19) VCF-style: chr2-48026894-C-A.
Other names: c.1382C>A, p.Pro461Gln (NM_001281492.2); c.866C>A, p.Pro289Gln (NM_001281493.2, NM_001281494.2); short protein forms P591Q, P289Q, P461Q.
Identifiers: ClinVar variation 568393 (VCV000568393.11), dbSNP rs1558662903, ClinGen allele CA346749161.